The following is an entry in ClinVar:

NM_015057.5(MYCBP2):c.5689A>G (p.Ser1897Gly)

Gene: MYCBP2 (MYC binding protein 2; minus strand). Cytogenetic location: 13q22.3.
Variant type: single nucleotide variant.
Coding change: c.5689A>G on transcript NM_015057.5 (MANE Select); coding-DNA position 5689, A replaced by G.
Protein change: p.Ser1897Gly; replaces serine 1897 with glycine.
Molecular consequence: missense variant.
Genome position (GRCh38, 1-based): chr13:77,171,597, T>C on the plus strand (A>G on the coding strand, the complement: MYCBP2 is on the minus strand). VCF-style: chr13-77171597-T-C. GRCh37 (hg19) VCF-style: chr13-77745732-T-C.
Other names: short protein forms S1897G.
Identifiers: ClinVar variation 3371392 (VCV003371392.1).

ClinVar aggregate classification (germline): Uncertain significance (1 of 4 stars; one submission).

Submission:

GeneDx
Classification: Uncertain significance. Last evaluated: 2024-03-22. Review status: criteria provided, single submitter. Criteria: GeneDx Variant Classification Process June 2021. Collection method: clinical testing. Allele origin: germline. Affected: yes.
Comment: Not observed at significant frequency in large population cohorts (gnomAD); In silico analysis supports that this missense variant does not alter protein structure/function; Has not been previously published as pathogenic or benign to our knowledge